The following is an entry in ClinVar:

ClinVar aggregate classification (germline): Uncertain significance. Review status: criteria provided, multiple submitters, no conflicts (2 of 4 stars). 2 submissions from 2 submitters: Uncertain significance (2). Last evaluated 2025-05-22.

Conditions:
Dyskeratosis congenita. Identifiers: Orphanet 1775, MedGen C0265965, MONDO:0015780.
Dyskeratosis congenita, autosomal dominant 2. Identifiers: MedGen C3151443, MONDO:0013521, OMIM 613989.
Idiopathic Pulmonary Fibrosis. Also called: Idiopathic fibrosing alveolitis, chronic form; idiopathic fibrosing alveolitis. Identifiers: Orphanet 2032, MedGen C1800706, MeSH D054990, MONDO:0800504.

gnomAD v4.1: 1 of 1,614,218 alleles (0.000062%); highest among the groups gnomAD compares: Admixed American, 0.0017%; no homozygotes.

Submissions (2):

Ambry Genetics
Classification: Uncertain significance for Dyskeratosis congenita. Last evaluated: 2025-05-22. Review status: criteria provided, single submitter. Criteria: Ambry Variant Classification Scheme 2023. Collection method: clinical testing. Allele origin: germline.
Comment: The p.A1014S variant (also known as c.3040G>T), located in coding exon 14 of the TERT gene, results from a G to T substitution at nucleotide position 3040. The alanine at codon 1014 is replaced by serine, an amino acid with similar properties. This amino acid position is conserved. In addition, the in silico prediction for this alteration is inconclusive. Since supporting evidence is limited at this time, the clinical significance of this alteration remains unclear.

Labcorp Genetics (formerly Invitae), Labcorp
Classification: Uncertain significance for Dyskeratosis congenita, autosomal dominant 2; Idiopathic Pulmonary Fibrosis. Last evaluated: 2024-04-24. Review status: criteria provided, single submitter. Criteria: Invitae Variant Classification Sherloc (09022015). Collection method: clinical testing. Allele origin: germline.
Comment: This sequence change replaces alanine, which is neutral and non-polar, with serine, which is neutral and polar, at codon 1014 of the TERT protein (p.Ala1014Ser). This variant is not present in population databases (gnomAD no frequency). This variant has not been reported in the literature in individuals affected with TERT-related conditions. ClinVar contains an entry for this variant (Variation ID: 1490352). Advanced modeling of protein sequence and biophysical properties (such as structural, functional, and spatial information, amino acid conservation, physicochemical variation, residue mobility, and thermodynamic stability) performed at Invitae indicates that this missense variant is expected to disrupt TERT protein function with a positive predictive value of 80%. In summary, the available evidence is currently insufficient to determine the role of this variant in disease. Therefore, it has been classified as a Variant of Uncertain Significance.

NM_198253.3(TERT):c.3040G>T (p.Ala1014Ser)

Gene: TERT (telomerase reverse transcriptase; minus strand). Cytogenetic location: 5p15.33.
Variant type: single nucleotide variant.
Coding change: c.3040G>T on transcript NM_198253.3 (MANE Select); coding-DNA position 3040, G replaced by T.
Protein change: p.Ala1014Ser; replaces alanine 1014 with serine.
Molecular consequence: missense variant. On other transcripts: non-coding transcript variant (2).
Genome position (GRCh38, 1-based): chr5:1,255,404, C>A on the plus strand (G>T on the coding strand, the complement: TERT is on the minus strand). VCF-style: chr5-1255404-C-A. GRCh37 (hg19) VCF-style: chr5-1255519-C-A.
Other names: c.2851G>T, p.Ala951Ser (NM_001193376.3); short protein forms A951S, A1014S.
Identifiers: ClinVar variation 1490352 (VCV001490352.10), dbSNP rs1747650909, ClinGen allele CA359068360.